The following is an entry in ClinVar:

ClinVar aggregate classification (germline): Conflicting classifications of pathogenicity. Review status: criteria provided, conflicting classifications (1 of 4 stars). 3 submissions from 3 submitters: Uncertain significance (2); Likely benign (1). Last evaluated 2025-07-11.

Conditions:
Congenital myasthenic syndrome 2A. Also called: Myasthenic syndrome, congenital, 2a, slow-channel. Identifiers: Orphanet 590, MedGen C4225374, MONDO:0014581, OMIM 616313.

Allele frequency attached by ClinVar (database versions not stated): gnomAD exomes 0.00001 and 0.00005; ExAC 0.00009; ESP Exome Variant Server 0.00015; TOPMed 0.00023; gnomAD 0.00024 and 0.00025; 1000 Genomes Project 0.00060; 1000 Genomes Project 30x 0.00094.

Submissions (3):

Labcorp Genetics (formerly Invitae), Labcorp
Classification: Likely benign for Congenital myasthenic syndrome 2A. Last evaluated: 2025-07-11. Review status: criteria provided, single submitter. Criteria: Invitae Variant Classification Sherloc (09022015). Collection method: clinical testing. Allele origin: germline.

GeneDx
Classification: Uncertain significance. Last evaluated: 2021-05-19. Review status: criteria provided, single submitter. Criteria: GeneDx Variant Classification Process June 2021. Collection method: clinical testing. Allele origin: germline. Affected: yes.
Comment: In silico analysis supports that this missense variant does not alter protein structure/function; Has not been previously published as pathogenic or benign to our knowledge

Revvity Omics, Revvity
Classification: Uncertain significance. Last evaluated: 2019-08-06. Review status: criteria provided, single submitter. Criteria: ACMG Guidelines, 2015. Collection method: clinical testing. Allele origin: germline.

NM_000747.3(CHRNB1):c.593A>G (p.His198Arg)

Gene: CHRNB1 (cholinergic receptor nicotinic beta 1 subunit; plus strand). Cytogenetic location: 17p13.1.
Variant type: single nucleotide variant.
Coding change: c.593A>G on transcript NM_000747.3 (MANE Select); coding-DNA position 593, A replaced by G.
Protein change: p.His198Arg; replaces histidine 198 with arginine.
Molecular consequence: missense variant.
Genome position (GRCh38, 1-based): chr17:7,447,633, A>G. VCF-style: chr17-7447633-A-G. GRCh37 (hg19) VCF-style: chr17-7350952-A-G.
Other names: short protein forms H198R.
Identifiers: ClinVar variation 542755 (VCV000542755.12), dbSNP rs76251791, ClinGen allele CA8347818.